The following is an entry in ClinVar:

ClinVar aggregate classification (germline): Pathogenic (1 of 4 stars; one submission).

Conditions:
Microcephaly, normal intelligence and immunodeficiency (NBS). Also called: IMMUNODEFICIENCY, MICROCEPHALY, AND CHROMOSOMAL INSTABILITY; Immunodeficiency, microcephaly with normal intelligence; SEEMANOVA SYNDROME II; Ataxia telangiectasia variant V1; Microcephaly with normal intelligence immunodeficiency and lymphoreticular malignancies; Nonsyndromal microcephaly autosomal recessive with normal intelligence. Identifiers: Orphanet 647, MedGen C0398791, MONDO:0009623, OMIM 251260.

Submission:

Labcorp Genetics (formerly Invitae), Labcorp
Classification: Pathogenic for Microcephaly, normal intelligence and immunodeficiency. Last evaluated: 2021-07-21. Review status: criteria provided, single submitter. Criteria: Invitae Variant Classification Sherloc (09022015). Collection method: clinical testing. Allele origin: germline.
Comment: This sequence change creates a premature translational stop signal (p.Asp469Metfs*15) in the NBN gene. It is expected to result in an absent or disrupted protein product. Loss-of-function variants in NBN are known to be pathogenic (PMID: 9590180, 16415040). This variant is not present in population databases (ExAC no frequency). This variant has not been reported in the literature in individuals affected with NBN-related conditions. For these reasons, this variant has been classified as Pathogenic.

Literature cited by the submitters: PubMed 9590180; PubMed 16415040.

NM_002485.5(NBN):c.1405del (p.Asp469fs)

Gene: NBN (nibrin; minus strand). Cytogenetic location: 8q21.3.
Variant type: Deletion.
Coding change: c.1405del on transcript NM_002485.5 (MANE Select); coding-DNA position 1405, one base deleted (G; older notation c.1405delG).
Protein change: p.Asp469fs; shifts the reading frame from aspartic acid 469.
Molecular consequence: frameshift variant.
Genome position (GRCh38, 1-based): chr8:89,953,684, C deleted on the plus strand (G on the coding strand, the reverse complement: NBN is on the minus strand); the first of 3 consecutive C bases (chr8:89,953,684-89,953,686); deleting any one gives the same sequence. VCF-style (leftmost placement, unchanged base first): chr8-89953683-TC-T. GRCh37 (hg19) VCF-style: chr8-90965911-TC-T.
Other names: c.1159del, p.Asp387fs (NM_001024688.3); short protein forms D387fs, D469fs.
Identifiers: ClinVar variation 1355027 (VCV001355027.6), dbSNP rs2129704309, ClinGen allele CA2573143373.